The following is an entry in ClinVar:

NM_024642.5(GALNT12):c.542-22_542-17del

Gene: GALNT12 (polypeptide N-acetylgalactosaminyltransferase 12; plus strand). Cytogenetic location: 9q22.33.
Variant type: Deletion.
Coding change: c.542-22_542-17del on transcript NM_024642.5 (MANE Select); 22 bases into the intron before coding-DNA position 542 through 17 bases into the intron before coding-DNA position 542, 6 bases deleted (GTTGCT; older notation c.542-22_542-17delGTTGCT).
Molecular consequence: intron variant.
Genome position (GRCh38, 1-based): chr9:98,826,730-98,826,735, GTTGCT deleted; deleting any 6 consecutive bases within chr9:98,826,728-98,826,735 gives the same sequence; the c. name uses the placement nearest the transcript's 3' end. VCF-style (leftmost placement, unchanged base first): chr9-98826727-CCTGTTG-C. GRCh37 (hg19) VCF-style: chr9-101589009-CCTGTTG-C.
Identifiers: ClinVar variation 4875737 (VCV004875737.1).

ClinVar aggregate classification (germline): Likely benign (1 of 4 stars; one submission).

Conditions:
Colorectal cancer, susceptibility to, 1. Also called: COLORECTAL ADENOMA AND CANCER, SUSCEPTIBILITY TO; COLORECTAL CANCER, SUSCEPTIBILITY TO, ON CHROMOSOME 9. Identifiers: MedGen C1837315, MONDO:0012132, OMIM 608812.

Submission:

Myriad Genetics, Inc.
Classification: Likely benign for Colorectal cancer, susceptibility to, 1. Last evaluated: 2026-04-21. Review status: criteria provided, single submitter. Criteria: Myriad Autosomal Dominant, Autosomal Recessive and X-Linked Classification Criteria (2023). Collection method: clinical testing. Allele origin: unknown.
Comment: This variant is considered likely benign. This variant is intronic and is not expected to impact mRNA splicing.